The following is an entry in ClinVar:

ClinVar aggregate classification (germline): Uncertain significance (1 of 4 stars; one submission).

Submission:

GeneDx
Classification: Uncertain significance. Last evaluated: 2017-12-13. Review status: criteria provided, single submitter. Criteria: GeneDx Variant Classification (06012015). Collection method: clinical testing. Allele origin: germline. Affected: yes.
Comment: The M311I variant in the KAT6B gene has not been reported previously as a pathogenic variant, nor as a benign variant, to our knowledge. The M311I variant is not observed in large population cohorts (Lek et al., 2016). The M311I variant is a conservative amino acid substitution, which is not likely to impact secondary protein structure as these residues share similar properties. In-silico analyses, including protein predictors and evolutionary conservation, support a deleterious effect. We interpret M311I as a variant of uncertain significance.

NM_012330.4(KAT6B):c.933G>A (p.Met311Ile)

Gene: KAT6B (lysine acetyltransferase 6B; plus strand). Cytogenetic location: 10q22.2.
Variant type: single nucleotide variant.
Coding change: c.933G>A on transcript NM_012330.4 (MANE Select); coding-DNA position 933, G replaced by A.
Protein change: p.Met311Ile; replaces methionine 311 with isoleucine.
Molecular consequence: missense variant. On other transcripts: intron variant (5).
Genome position (GRCh38, 1-based): chr10:74,972,511, G>A. VCF-style: chr10-74972511-G-A. GRCh37 (hg19) VCF-style: chr10-76732269-G-A.
Other names: c.933G>A, p.Met311Ile (NM_001256468.2, NM_001256469.2, NM_001370132.1 and 7 more transcripts); c.846+2736G>A (NM_001370133.1); c.193-6713G>A (NM_001370134.1); c.928+2410G>A (NM_001370143.1, NM_001370144.1); c.192+12433G>A (NM_001370135.1); short protein forms M311I.
Identifiers: ClinVar variation 561705 (VCV000561705.1), dbSNP rs141914733, ClinGen allele CA377282926.